The following is an entry in ClinVar:

ClinVar aggregate classification (germline): Pathogenic/Likely pathogenic. Review status: criteria provided, multiple submitters, no conflicts (2 of 4 stars). 3 submissions from 2 submitters: Pathogenic (1); Likely pathogenic (2). Last evaluated 2026-06-12.

Conditions:
UGT1A1-related disorder. Also called: UGT1A1-related disorders; UGT1A1-related condition.
Crigler-Najjar syndrome type 1. Also called: HYPERBILIRUBINEMIA, CRIGLER-NAJJAR TYPE I. Identifiers: Orphanet 79234, MedGen C0010324, MONDO:0021020, OMIM 218800.
Gilbert syndrome. Also called: HYPERBILIRUBINEMIA, GILBERT TYPE; HYPERBILIRUBINEMIA I; HYPERBILIRUBINEMIA, ARIAS TYPE; Gilbert's syndrome; Gilbert Disease. Identifiers: MedGen C0017551, MONDO:0007745, OMIM 143500.

Allele frequency attached by ClinVar (database versions not stated): gnomAD exomes below 0.00001; ExAC 0.00002.
gnomAD v4.1: 6 of 1,614,240 alleles (0.00037%); highest among the groups gnomAD compares: South Asian, 0.0033%; no homozygotes.

Submissions (3):

PreventionGenetics, part of Exact Sciences
Classification: Likely pathogenic for UGT1A1-related condition. Last evaluated: 2026-06-12. Review status: criteria provided, single submitter. Criteria: ACMG Guidelines, 2015. Collection method: clinical testing. Allele origin: germline.
Comment: The UGT1A1 c.247T>C variant is predicted to result in the amino acid substitution p.Phe83Leu. This variant has been reported in the homozygous state in two siblings with Gilbert syndrome and segregation was demonstrated in this family (Sutomo et al. 2002. PubMed ID: 12139570). In vitro functional studies show reduced clearance and kinetic activity of estradiol glucuronidation, indicative of a structural change in the active site used for substrate binding (*62 F83L, Udomuksorn et al. 2007. PubMed ID: 18004206). In another functional study, this variant, compared to wild type, was found to have 30% activity in the homozygous state and 79% in the heterozygous state (F83L, Wada et al. 2006. PubMed ID: 16504606). This variant is reported in 0.0065% of alleles in individuals of South Asian descent in gnomAD. This variant is interpreted as likely pathogenic.

Neuberg Centre For Genomic Medicine, NCGM
Classification: Pathogenic for Crigler-Najjar syndrome type 1. Last evaluated: 2023-05-20. Review status: criteria provided, single submitter. Criteria: ACMG Guidelines, 2015. Collection method: clinical testing. Allele origin: germline. Inheritance: Autosomal recessive inheritance. Affected: yes.
Comment: The missense variant c.247T>C (p.Phe83Leu) in the UGT1A1 gene which is located in a mutational hot spot has been reported previously in a homozygous state in individuals affected with Gilbert and Crigler-Najjar type II syndromes. Experimental studies have shown that this missense change affects protein function (Udomuksorn et al., 2007; Saeki et al., 2003). This variant is reported with the allele frequency (0.0007%) in the gnomAD. The amino acid Phenylalanine at position 83 is changed to a Leucine changing protein sequence and it might alter its composition and physico-chemical properties. The amino acid change p.Phe83Leu in UGT1A1 is predicted as conserved by GERP++ and PhyloP across 100 vertebrates. For these reasons, this variant has been classified as Pathogenic.

Neuberg Centre For Genomic Medicine, NCGM
Classification: Likely pathogenic for Gilbert syndrome. Review status: criteria provided, single submitter. Criteria: ACMG Guidelines, 2015. Collection method: clinical testing. Allele origin: germline. Inheritance: Autosomal recessive inheritance. Affected: yes.
Comment: The missense variant c.247T>C (p.Phe83Leu) in the UGT1A1 gene has been reported previously in a homozygous state in individuals affected with Gilbert and Crigler-Najjar type II syndromes. Experimental studies have shown that this missense change affects protein function (Udomuksorn et al., 2007; Saeki et al., 2003). This variant is reported with the allele frequency (0.0007%) in the gnomAD. The amino acid Phenylalanine at position 83 is changed to a Leucine changing protein sequence and it might alter its composition and physico-chemical properties. The amino acid change p.Phe83Leu in UGT1A1 is predicted as conserved by GERP++ and PhyloP across 100 vertebrates. For these reasons, this variant has been classified as Pathogenic.

NM_000463.3(UGT1A1):c.247T>C (p.Phe83Leu)

Genes: UGT1A (UDP glucuronosyltransferase family 1 member A complex locus; plus strand), UGT1A1 (UDP glucuronosyltransferase family 1 member A1; plus strand), UGT1A10 (UDP glucuronosyltransferase family 1 member A10; plus strand), UGT1A3 (UDP glucuronosyltransferase family 1 member A3; plus strand), UGT1A4 (UDP glucuronosyltransferase family 1 member A4; plus strand) and 5 more. Cytogenetic location: 2q37.1.
Variant type: single nucleotide variant.
Coding change: c.247T>C on transcript NM_000463.3 (MANE Select); coding-DNA position 247, T replaced by C.
Protein change: p.Phe83Leu; replaces phenylalanine 83 with leucine.
Molecular consequence: missense variant. On other transcripts: intron variant (9).
Genome position (GRCh38, 1-based): chr2:233,760,534, T>C. VCF-style: chr2-233760534-T-C. GRCh37 (hg19) VCF-style: chr2-234669180-T-C.
Other names: c.856-6500T>C (NM_019076.5, NM_019075.4, NM_021027.3 and 1 more transcripts); c.61-6500T>C (NM_205862.3); c.862-6500T>C (NM_001072.4); c.868-6500T>C (NM_019078.2, NM_007120.3, NM_019093.4); short protein forms F83L.
Identifiers: ClinVar variation 3242206 (VCV003242206.3), dbSNP rs56059937.
Genomic context (GRCh38, chr2:233,760,534, plus strand): 5'-GACGCCTCGTTGTACATCAGAGACGGAGCATTTTACACCTTGAAGACGTACCCTGTGCCA[T>C]TCCAAAGGGAGGATGTGAAAGAGTCTTTTGTTAGTCTCGGGCATAATGTTTTTGAGAATG-3'
Protein context (NP_000454.1, residues 73-93): FYTLKTYPVP[Phe83Leu]QREDVKESFV